The following is an entry in ClinVar:

ClinVar aggregate classification (germline): Likely benign (1 of 4 stars; one submission).

Allele frequency attached by ClinVar (database versions not stated): gnomAD exomes below 0.00001.
gnomAD v4.1: 1 of 1,568,964 alleles (0.000064%); highest among the groups gnomAD compares: Non-Finnish European, 0.000087%; no homozygotes.

Submission:

GeneDx
Classification: Likely benign. Last evaluated: 2017-10-04. Review status: criteria provided, single submitter. Criteria: GeneDx Variant Classification (06012015). Collection method: clinical testing. Allele origin: germline. Affected: yes.
Comment: This variant is considered likely benign or benign based on one or more of the following criteria: it is a conservative change, it occurs at a poorly conserved position in the protein, it is predicted to be benign by multiple in silico algorithms, and/or has population frequency not consistent with disease.

NM_001035.3(RYR2):c.13329-20T>C

Gene: RYR2 (ryanodine receptor 2; plus strand). Cytogenetic location: 1q43.
Variant type: single nucleotide variant.
Coding change: c.13329-20T>C on transcript NM_001035.3 (MANE Select); 20 bases into the intron before coding-DNA position 13329, T replaced by C.
Molecular consequence: intron variant.
Genome position (GRCh38, 1-based): chr1:237,787,968, T>C. VCF-style: chr1-237787968-T-C. GRCh37 (hg19) VCF-style: chr1-237951268-T-C.
Other names: c.13329-20T>C (LRG_402t1).
Identifiers: ClinVar variation 512490 (VCV000512490.1), dbSNP rs1553325218, ClinGen allele CA658795643.